The following is an entry in ClinVar:

NM_001374353.1(GLI2):c.1934C>A (p.Ser645Ter)

Gene: GLI2 (GLI family zinc finger 2; plus strand). Cytogenetic location: 2q14.2.
Variant type: single nucleotide variant.
Coding change: c.1934C>A on transcript NM_001374353.1 (MANE Select); coding-DNA position 1934, C replaced by A.
Protein change: p.Ser645Ter; replaces serine 645 with a stop codon.
Molecular consequence: nonsense.
Genome position (GRCh38, 1-based): chr2:120,986,306, C>A. VCF-style: chr2-120986306-C-A. GRCh37 (hg19) VCF-style: chr2-121743882-C-A.
Other names: c.1985C>A, p.Ser662Ter (NM_001371271.1, NM_005270.5); c.1559C>A, p.Ser520Ter (NM_001374354.1); short protein forms S645*, S520*, S662*.
Identifiers: ClinVar variation 2932634 (VCV002932634.3), dbSNP rs747870569, ClinGen allele CA348163789.

ClinVar aggregate classification (germline): Pathogenic (1 of 4 stars; one submission).

Conditions:
Holoprosencephaly 9 (HPE9). Also called: HOLOPROSENCEPHALY WITH MICROPHTHALMIA AND FIRST BRANCHIAL ARCH ANOMALIES; PITUITARY ANOMALIES WITH HOLOPROSENCEPHALY-LIKE FEATURES. Identifiers: Orphanet 2162, MedGen C1835819, MONDO:0012563, OMIM 610829.
Postaxial polydactyly-anterior pituitary anomalies-facial dysmorphism syndrome. Also called: Culler-Jones syndrome. Identifiers: Orphanet 420584, MedGen C4014479, MONDO:0014369, OMIM 615849.

Submission:

Labcorp Genetics (formerly Invitae), Labcorp
Classification: Pathogenic for Postaxial polydactyly-anterior pituitary anomalies-facial dysmorphism syndrome; Holoprosencephaly 9. Last evaluated: 2023-03-27. Review status: criteria provided, single submitter. Criteria: Invitae Variant Classification Sherloc (09022015). Collection method: clinical testing. Allele origin: germline.
Comment: This sequence change creates a premature translational stop signal (p.Ser662*) in the GLI2 gene. It is expected to result in an absent or disrupted protein product. Loss-of-function variants in GLI2 are known to be pathogenic (PMID: 20685856, 24744436). This variant is not present in population databases (gnomAD no frequency). This premature translational stop signal has been observed in individual(s) with Culler-Jones syndrome (PMID: 29095814). For these reasons, this variant has been classified as Pathogenic.

Literature cited by the submitters: PubMed 20685856; PubMed 24744436; PubMed 29095814.